The following is an entry in ClinVar:

NM_152564.5(VPS13B):c.10258G>A (p.Val3420Met)

Gene: VPS13B (vacuolar protein sorting 13 homolog B; plus strand). Cytogenetic location: 8q22.2.
Variant type: single nucleotide variant.
Coding change: c.10258G>A on transcript NM_152564.5 (MANE Select); coding-DNA position 10258, G replaced by A.
Protein change: p.Val3420Met; replaces valine 3420 with methionine.
Molecular consequence: missense variant.
Genome position (GRCh38, 1-based): chr8:99,853,647, G>A. VCF-style: chr8-99853647-G-A. GRCh37 (hg19) VCF-style: chr8-100865875-G-A.
Other names: c.10333G>A, p.Val3445Met (NM_017890.5); c.10333G>A (NM_017890.3); c.10258G>A (NM_152564.4); short protein forms V3445M, V3420M.
Identifiers: ClinVar variation 706919 (VCV000706919.23), dbSNP rs191174682, ClinGen allele CA4824923.

ClinVar aggregate classification (germline): Conflicting classifications of pathogenicity. Review status: criteria provided, conflicting classifications (1 of 4 stars). 6 submissions from 6 submitters: Uncertain significance (2); Likely benign (2). 2 of the submissions do not count toward it. Last evaluated 2026-01-28.

Conditions:
VPS13B-related disorder. Also called: VPS13B-related condition.
Inborn genetic diseases. Identifiers: MedGen C0950123, MeSH D030342.
Cohen syndrome (COH1). Also called: Cutis verticis gyrata, retinitis pigmentosa, and sensorineural deafness; PEPPER SYNDROME. Identifiers: Orphanet 193, MedGen C0265223, MONDO:0008999, OMIM 216550.

Allele frequency attached by ClinVar (database versions not stated): gnomAD exomes 0.00009 and 0.00021; gnomAD 0.00011 and 0.00013; ExAC 0.00018; TOPMed 0.00026; 1000 Genomes Project 0.00060; 1000 Genomes Project 30x 0.00062.
gnomAD v4.1: 152 of 1,614,166 alleles (0.0094%); highest among the groups gnomAD compares: East Asian, 0.3%; no homozygotes.

Submissions (6):

Labcorp Genetics (formerly Invitae), Labcorp
Classification: Likely benign for Cohen syndrome. Last evaluated: 2026-01-28. Review status: criteria provided, single submitter. Criteria: Invitae Variant Classification Sherloc (09022015). Collection method: clinical testing. Allele origin: germline.

Blueprint Genetics
Classification: Likely benign. Last evaluated: 2024-11-11. Review status: criteria provided, single submitter. Criteria: ACMG Guidelines, 2015. Collection method: clinical testing. Allele origin: germline.

Ambry Genetics
Classification: Uncertain significance for Inborn genetic diseases. Last evaluated: 2018-07-20. Review status: criteria provided, single submitter. Criteria: Ambry Variant Classification Scheme 2023. Collection method: clinical testing. Allele origin: germline.
Comment: The p.V3445M variant (also known as c.10333G>A), located in coding exon 55 of the VPS13B gene, results from a G to A substitution at nucleotide position 10333. The valine at codon 3445 is replaced by methionine, an amino acid with highly similar properties. This amino acid position is not well conserved in available vertebrate species. In addition, this alteration is predicted to be tolerated by in silico analysis. Since supporting evidence is limited at this time, the clinical significance of this alteration remains unclear.

Illumina Laboratory Services, Illumina
Classification: Uncertain significance for Cohen syndrome. Last evaluated: 2018-01-13. Review status: criteria provided, single submitter. Criteria: ICSL Variant Classification Criteria 13 December 2019. Collection method: clinical testing. Allele origin: germline.

PreventionGenetics, part of Exact Sciences
Classification: Likely benign for VPS13B-related condition. Last evaluated: 2022-04-22. Review status: no assertion criteria provided. Collection method: clinical testing. Allele origin: germline. Not counted in ClinVar's aggregate classification.
Comment: This variant is classified as likely benign based on ACMG/AMP sequence variant interpretation guidelines (Richards et al. 2015 PMID: 25741868, with internal and published modifications).

Natera, Inc.
Classification: Likely benign for Cohen syndrome. Last evaluated: 2020-04-15. Review status: no assertion criteria provided. Collection method: clinical testing. Allele origin: germline. Not counted in ClinVar's aggregate classification.